The following is an entry in ClinVar:

NM_000083.3(CLCN1):c.1985del (p.Gln662fs)

Genes: CLCN1 (chloride voltage-gated channel 1; plus strand), LOC123956257 (Sharpr-MPRA regulatory region 4117; plus strand). Cytogenetic location: 7q34.
Variant type: Deletion.
Coding change: c.1985del on transcript NM_000083.3 (MANE Select); coding-DNA position 1985, one base deleted (A; older notation c.1985delA).
Protein change: p.Gln662fs; shifts the reading frame from glutamine 662.
Molecular consequence: frameshift variant. On other transcripts: non-coding transcript variant (1).
Genome position (GRCh38, 1-based): chr7:143,345,575, A deleted. VCF-style (leftmost placement, unchanged base first): chr7-143345574-CA-C. GRCh37 (hg19) VCF-style: chr7-143042667-CA-C.
Other names: short protein forms Q662fs.
Identifiers: ClinVar variation 2942479 (VCV002942479.3), dbSNP rs2485434750, ClinGen allele CA2740094927.

ClinVar aggregate classification (germline): Pathogenic (1 of 4 stars; one submission).

Conditions:
Congenital myotonia, autosomal dominant form (THD). Also called: THOMSEN DISEASE; Myotonia congenita autosomal dominant. Identifiers: Orphanet 614, MedGen C2936781, MONDO:0008055, OMIM 160800.
Congenital myotonia, autosomal recessive form. Also called: BECKER DISEASE; Becker Generalized Myotonia; myotonia congenita, autosomal recessive. Identifiers: Orphanet 614, MedGen C0751360, MONDO:0009715, OMIM 255700.

Submission:

Labcorp Genetics (formerly Invitae), Labcorp
Classification: Pathogenic for Congenital myotonia, autosomal recessive form; Congenital myotonia, autosomal dominant form. Last evaluated: 2022-12-19. Review status: criteria provided, single submitter. Criteria: Invitae Variant Classification Sherloc (09022015). Collection method: clinical testing. Allele origin: germline.
Comment: This sequence change creates a premature translational stop signal (p.Gln662Argfs*132) in the CLCN1 gene. It is expected to result in an absent or disrupted protein product. Loss-of-function variants in CLCN1 are known to be pathogenic (PMID: 17932099, 22094069, 23739125). This variant is not present in population databases (gnomAD no frequency). This variant has not been reported in the literature in individuals affected with CLCN1-related conditions. For these reasons, this variant has been classified as Pathogenic.

Literature cited by the submitters: PubMed 17932099; PubMed 22094069; PubMed 23739125.